The following is an entry in ClinVar:

NM_052859.4(RFT1):c.566A>G (p.Tyr189Cys)

Gene: RFT1 (RFT1 glycolipid translocator homolog; minus strand). Cytogenetic location: 3p21.1.
Variant type: single nucleotide variant.
Coding change: c.566A>G on transcript NM_052859.4 (MANE Select); coding-DNA position 566, A replaced by G.
Protein change: p.Tyr189Cys; replaces tyrosine 189 with cysteine.
Molecular consequence: missense variant.
Genome position (GRCh38, 1-based): chr3:53,120,014, T>C on the plus strand (A>G on the coding strand, the complement: RFT1 is on the minus strand). VCF-style: chr3-53120014-T-C. GRCh37 (hg19) VCF-style: chr3-53154030-T-C.
Other names: c.566A>G (NM_052859.3); short protein forms Y189C.
Identifiers: ClinVar variation 2083472 (VCV002083472.2), dbSNP rs1188445777, ClinGen allele CA353220572.
Genomic context (GRCh38, chr3:53,120,014, plus strand): 5'-TCTGGGGAACCCAGTAACTTTGTGAAATAAATAACATAGCAGAGCACCAGAACTGTGGTA[T>C]AGAAAAGCTGAGAAAAAAAATAAACTGTTTTAATAAAGGCATAATTAAGATATGCCTATA-3'
Protein context (NP_443091.1, residues 179-199): LYIFSLAQLF[Tyr189Cys]TTVLVLCYVI

ClinVar aggregate classification (germline): Uncertain significance. Review status: criteria provided, multiple submitters, no conflicts (2 of 4 stars). 2 submissions from 2 submitters: Uncertain significance (2). Last evaluated 2025-02-19.

Conditions:
RFT1-congenital disorder of glycosylation (CDG1N). Also called: CDG In; RFT1-CDG; Congenital disorder of glycosylation type In. Identifiers: Orphanet 244310, MedGen C2677590, MONDO:0012783, OMIM 612015.
Inborn genetic diseases. Identifiers: MedGen C0950123, MeSH D030342.

Allele frequency attached by ClinVar (database versions not stated): gnomAD exomes below 0.00001.
gnomAD v4.1: 5 of 1,592,560 alleles (0.00031%); highest among the groups gnomAD compares: South Asian, 0.0023%; no homozygotes.

Submissions (2):

Ambry Genetics
Classification: Uncertain significance for Inborn genetic diseases. Last evaluated: 2025-02-19. Review status: criteria provided, single submitter. Criteria: Ambry Variant Classification Scheme 2023. Collection method: clinical testing. Allele origin: germline.

Labcorp Genetics (formerly Invitae), Labcorp
Classification: Uncertain significance for RFT1-congenital disorder of glycosylation. Last evaluated: 2022-04-04. Review status: criteria provided, single submitter. Criteria: Invitae Variant Classification Sherloc (09022015). Collection method: clinical testing. Allele origin: germline.
Comment: This sequence change replaces tyrosine, which is neutral and polar, with cysteine, which is neutral and slightly polar, at codon 189 of the RFT1 protein (p.Tyr189Cys). This variant is not present in population databases (gnomAD no frequency). This variant has not been reported in the literature in individuals affected with RFT1-related conditions. Algorithms developed to predict the effect of missense changes on protein structure and function (SIFT, PolyPhen-2, Align-GVGD) all suggest that this variant is likely to be tolerated. In summary, the available evidence is currently insufficient to determine the role of this variant in disease. Therefore, it has been classified as a Variant of Uncertain Significance.